The following is an entry in ClinVar:

NM_000124.4(ERCC6):c.868T>G (p.Cys290Gly)

Gene: ERCC6 (ERCC excision repair 6, chromatin remodeling factor; minus strand). Cytogenetic location: 10q11.23.
Variant type: single nucleotide variant.
Coding change: c.868T>G on transcript NM_000124.4 (MANE Select); coding-DNA position 868, T replaced by G.
Protein change: p.Cys290Gly; replaces cysteine 290 with glycine.
Molecular consequence: missense variant.
Genome position (GRCh38, 1-based): chr10:49,524,562, A>C on the plus strand (T>G on the coding strand, the complement: ERCC6 is on the minus strand). VCF-style: chr10-49524562-A-C. GRCh37 (hg19) VCF-style: chr10-50732608-A-C.
Other names: c.868T>G, p.Cys290Gly (NM_001277058.2, NM_001277059.2, NM_001346440.2); short protein forms C290G.
Identifiers: ClinVar variation 2012565 (VCV002012565.4), dbSNP rs2496141018, ClinGen allele CA376754259.

ClinVar aggregate classification (germline): Uncertain significance (1 of 4 stars; one submission).

Submission:

Labcorp Genetics (formerly Invitae), Labcorp
Classification: Uncertain significance. Last evaluated: 2023-11-27. Review status: criteria provided, single submitter. Criteria: Invitae Variant Classification Sherloc (09022015). Collection method: clinical testing. Allele origin: germline.
Comment: This sequence change replaces cysteine, which is neutral and slightly polar, with glycine, which is neutral and non-polar, at codon 290 of the ERCC6 protein (p.Cys290Gly). This variant is not present in population databases (gnomAD no frequency). This variant has not been reported in the literature in individuals affected with ERCC6-related conditions. ClinVar contains an entry for this variant (Variation ID: 2012565). Advanced modeling of protein sequence and biophysical properties (such as structural, functional, and spatial information, amino acid conservation, physicochemical variation, residue mobility, and thermodynamic stability) performed at Invitae indicates that this missense variant is not expected to disrupt ERCC6 protein function with a negative predictive value of 95%. In summary, the available evidence is currently insufficient to determine the role of this variant in disease. Therefore, it has been classified as a Variant of Uncertain Significance.